The following is an entry in ClinVar:

ClinVar aggregate classification (germline): Uncertain significance (1 of 4 stars; one submission).

Conditions:
Inborn genetic diseases. Identifiers: MedGen C0950123, MeSH D030342.

Submission:

Ambry Genetics
Classification: Uncertain significance for Inborn genetic diseases. Last evaluated: 2025-07-28. Review status: criteria provided, single submitter. Criteria: Ambry Variant Classification Scheme 2023. Collection method: clinical testing. Allele origin: germline.
Comment: The p.R126L variant (also known as c.377G>T), located in coding exon 3 of the HAX1 gene, results from a G to T substitution at nucleotide position 377. The arginine at codon 126 is replaced by leucine, an amino acid with dissimilar properties. This amino acid position is conserved. In addition, the in silico prediction for this alteration is inconclusive. Based on the available evidence, the clinical significance of this variant remains unclear.

NM_006118.4(HAX1):c.377G>T (p.Arg126Leu)

Gene: HAX1 (HCLS1 associated protein X-1; plus strand). Cytogenetic location: 1q21.3.
Variant type: single nucleotide variant.
Coding change: c.377G>T on transcript NM_006118.4 (MANE Select); coding-DNA position 377, G replaced by T.
Protein change: p.Arg126Leu; replaces arginine 126 with leucine.
Molecular consequence: missense variant.
Genome position (GRCh38, 1-based): chr1:154,273,834, G>T. VCF-style: chr1-154273834-G-T. GRCh37 (hg19) VCF-style: chr1-154246310-G-T.
Other names: c.233G>T, p.Arg78Leu (NM_001018837.2); short protein forms R126L, R78L.
Identifiers: ClinVar variation 4269036 (VCV004269036.1).
Genomic context (GRCh38, chr1:154,273,834, plus strand): 5'-AACTTCCAGGTCCTGAGTCAGAGACACCTGGTGAGAGACTACGGGAGGGACAGACACTTC[G>T]GGACTCAATGCTTAAGTATCCAGATAGTCACCAGCCCAGGATCTTTGGGGGGGTCTTGGA-3'
Protein context (NP_006109.2, residues 116-136): GERLREGQTL[Arg126Leu]DSMLKYPDSH